The following is an entry in ClinVar:

NM_000268.4(NF2):c.1384C>T (p.Arg462Cys)

Gene: NF2 (NF2, moesin-ezrin-radixin like (MERLIN) tumor suppressor; plus strand). Cytogenetic location: 22q12.2.
Variant type: single nucleotide variant.
Coding change: c.1384C>T on transcript NM_000268.4 (MANE Select); coding-DNA position 1384, C replaced by T.
Protein change: p.Arg462Cys; replaces arginine 462 with cysteine.
Molecular consequence: missense variant. On other transcripts: non-coding transcript variant (1), intron variant (1).
Genome position (GRCh38, 1-based): chr22:29,674,879, C>T. VCF-style: chr22-29674879-C-T. GRCh37 (hg19) VCF-style: chr22-30070868-C-T.
Other names: c.1384C>T, p.Arg462Cys (NM_016418.5, NM_181825.3, NM_181832.3); c.1258C>T, p.Arg420Cys (NM_181828.3); c.1261C>T, p.Arg421Cys (NM_181829.3); c.1135C>T, p.Arg379Cys (NM_181830.3, NM_181831.3); c.448-19873C>T (NM_181833.3); short protein forms R420C, R421C, R462C, R379C.
Identifiers: ClinVar variation 1036137 (VCV001036137.22), dbSNP rs771143279, ClinGen allele CA029840.

ClinVar aggregate classification (germline): Uncertain significance. Review status: criteria provided, multiple submitters, no conflicts (2 of 4 stars). 4 submissions from 4 submitters: Uncertain significance (4). Last evaluated 2025-11-11.

Conditions:
Neurofibromatosis, type 2 (SWNV). Also called: BILATERAL ACOUSTIC NEUROFIBROMATOSIS; NF2-Related Schwannomatosis; SCHWANNOMATOSIS, VESTIBULAR. Identifiers: Orphanet 637, MedGen C0027832, MONDO:0007039, OMIM 101000. Disease mechanism: loss of function.
Hereditary cancer-predisposing syndrome. Also called: Neoplastic Syndromes, Hereditary; Hereditary Cancer Syndrome; Hereditary neoplastic syndrome; Tumor predisposition. Identifiers: Orphanet 140162, MedGen C0027672, MeSH D009386, MONDO:0015356.

Allele frequency attached by ClinVar (database versions not stated): ExAC below 0.00001.
gnomAD v4.1: 16 of 1,572,456 alleles (0.001%); highest among the groups gnomAD compares: South Asian, 0.0012%; no homozygotes.

Submissions (4):

Labcorp Genetics (formerly Invitae), Labcorp
Classification: Uncertain significance for Neurofibromatosis, type 2. Last evaluated: 2025-11-11. Review status: criteria provided, single submitter. Criteria: Invitae Variant Classification Sherloc (09022015). Collection method: clinical testing. Allele origin: germline.
Comment: This sequence change replaces arginine, which is basic and polar, with cysteine, which is neutral and slightly polar, at codon 462 of the NF2 protein (p.Arg462Cys). The frequency data for this variant in the population databases is considered unreliable, as metrics indicate poor data quality at this position in the gnomAD database. This variant has not been reported in the literature in individuals affected with NF2-related conditions. ClinVar contains an entry for this variant (Variation ID: 1036137). Invitae Evidence Modeling of protein sequence and biophysical properties (such as structural, functional, and spatial information, amino acid conservation, physicochemical variation, residue mobility, and thermodynamic stability) indicates that this missense variant is expected to disrupt NF2 protein function with a positive predictive value of 80%. In summary, the available evidence is currently insufficient to determine the role of this variant in disease. Therefore, it has been classified as a Variant of Uncertain Significance.

Ambry Genetics
Classification: Uncertain significance for Hereditary cancer-predisposing syndrome. Last evaluated: 2025-09-02. Review status: criteria provided, single submitter. Criteria: Ambry Variant Classification Scheme 2023. Collection method: clinical testing. Allele origin: germline.
Comment: The p.R462C variant (also known as c.1384C>T), located in coding exon 13 of the NF2 gene, results from a C to T substitution at nucleotide position 1384. The arginine at codon 462 is replaced by cysteine, an amino acid with highly dissimilar properties. This amino acid position is well conserved in available vertebrate species. In addition, the in silico prediction for this alteration is inconclusive. Since supporting evidence is limited at this time, the clinical significance of this alteration remains unclear.

All of Us Research Program, National Institutes of Health
Classification: Uncertain significance for Neurofibromatosis, type 2. Last evaluated: 2023-11-30. Review status: criteria provided, single submitter. Criteria: ACMG Guidelines, 2015. Collection method: clinical testing. Allele origin: germline. Inheritance: Autosomal dominant inheritance. Observed: 2 variant alleles, 2 heterozygotes.
Comment: This study involves interpretation of variants in research participants for the purpose of population health screening. Participant phenotype was not available at the time of variant classification. Additional details can be found in publication PMID: 35346344, PMCID: PMC8962531

Revvity Omics, Revvity
Classification: Uncertain significance for Neurofibromatosis, type 2. Last evaluated: 2020-03-05. Review status: criteria provided, single submitter. Criteria: ACMG Guidelines, 2015. Collection method: clinical testing. Allele origin: germline.